The following is an entry in ClinVar:

ClinVar aggregate classification (germline): Conflicting classifications of pathogenicity. Review status: criteria provided, conflicting classifications (1 of 4 stars). 3 submissions from 3 submitters: Likely pathogenic (1); Uncertain significance (2). Last evaluated 2023-10-25.

Conditions:
Sialuria. Also called: Sialic Acid Storage Disease; SIALURIA, FRENCH TYPE. Identifiers: Orphanet 3166, MedGen C0342853, MONDO:0010028, OMIM 269921.
GNE myopathy (NM). Also called: NONAKA DISTAL MYOPATHY; MYOPATHY, DISTAL, WITH OR WITHOUT RIMMED VACUOLES; INCLUSION BODY MYOPATHY, HEREDITARY, AUTOSOMAL RECESSIVE; INCLUSION BODY MYOPATHY 2, AUTOSOMAL RECESSIVE; IBM 2; Inclusion body myopathy autosomal recessive. Identifiers: Orphanet 602, MedGen C1853926, MONDO:0011603, OMIM 605820.

Allele frequency attached by ClinVar (database versions not stated): gnomAD exomes below 0.00001; TOPMed below 0.00001; gnomAD 0.00001.
gnomAD v4.1: 3 of 1,614,060 alleles (0.00019%); highest among the groups gnomAD compares: Non-Finnish European, 0.00025%; no homozygotes.

Submissions (3):

Baylor Genetics
Classification: Likely pathogenic for GNE myopathy. Last evaluated: 2023-10-25. Review status: criteria provided, single submitter. Criteria: ACMG Guidelines, 2015. Collection method: clinical testing. Allele origin: unknown.

Labcorp Genetics (formerly Invitae), Labcorp
Classification: Uncertain significance for Sialuria; GNE myopathy. Last evaluated: 2022-11-29. Review status: criteria provided, single submitter. Criteria: Invitae Variant Classification Sherloc (09022015). Collection method: clinical testing. Allele origin: germline.
Comment: This sequence change replaces serine, which is neutral and polar, with phenylalanine, which is neutral and non-polar, at codon 699 of the GNE protein (p.Ser699Phe). This variant is not present in population databases (gnomAD no frequency). This variant has not been reported in the literature in individuals affected with GNE-related conditions. ClinVar contains an entry for this variant (Variation ID: 498627). Advanced modeling of protein sequence and biophysical properties (such as structural, functional, and spatial information, amino acid conservation, physicochemical variation, residue mobility, and thermodynamic stability) has been performed at Invitae for this missense variant, however the output from this modeling did not meet the statistical confidence thresholds required to predict the impact of this variant on GNE protein function. In summary, the available evidence is currently insufficient to determine the role of this variant in disease. Therefore, it has been classified as a Variant of Uncertain Significance.

Eurofins Ntd Llc (ga)
Classification: Uncertain significance. Last evaluated: 2016-11-14. Review status: criteria provided, single submitter. Criteria: EGL Classification Definitions 2015. Collection method: clinical testing. Allele origin: germline. Observed: 2 variant alleles, 2 heterozygotes.

NM_005476.7(GNE):c.2003C>T (p.Ser668Phe)

Gene: GNE (glucosamine (UDP-N-acetyl)-2-epimerase/N-acetylmannosamine kinase; minus strand). Cytogenetic location: 9p13.3.
Variant type: single nucleotide variant.
Coding change: c.2003C>T on transcript NM_005476.7 (MANE Select); coding-DNA position 2003, C replaced by T.
Protein change: p.Ser668Phe; replaces serine 668 with phenylalanine.
Molecular consequence: missense variant.
Genome position (GRCh38, 1-based): chr9:36,217,531, G>A on the plus strand (C>T on the coding strand, the complement: GNE is on the minus strand). VCF-style: chr9-36217531-G-A. GRCh37 (hg19) VCF-style: chr9-36217528-G-A.
Other names: c.2096C>T, p.Ser699Phe (NM_001128227.3); c.1781C>T, p.Ser594Phe (NM_001190383.3); c.1673C>T, p.Ser558Phe (NM_001190384.3); c.1826C>T, p.Ser609Phe (NM_001190388.2, NM_001374798.1); c.1850C>T, p.Ser617Phe (NM_001374797.1); c.2096C>T (NM_001128227.2); short protein forms S668F, S699F, S558F, S594F, S617F, S609F.
Identifiers: ClinVar variation 498627 (VCV000498627.13), dbSNP rs1258671706, ClinGen allele CA373424635.